The following is an entry in ClinVar:

NM_014845.6(FIG4):c.1A>G (p.Met1Val)

Gene: FIG4 (FIG4 phosphoinositide 5-phosphatase; plus strand). Cytogenetic location: 6q21.
Variant type: single nucleotide variant.
Coding change: c.1A>G on transcript NM_014845.6 (MANE Select); coding-DNA position 1, A replaced by G.
Protein change: p.Met1Val; changes the start codon (methionine 1).
Molecular consequence: missense variant, initiator codon variant.
Genome position (GRCh38, 1-based): chr6:109,691,436, A>G. VCF-style: chr6-109691436-A-G. GRCh37 (hg19) VCF-style: chr6-110012639-A-G.
Other names: short protein forms M1V.
Identifiers: ClinVar variation 2828266 (VCV002828266.3), dbSNP rs1490935299, ClinGen allele CA365206382.

ClinVar aggregate classification (germline): Pathogenic (1 of 4 stars; one submission).

Conditions:
Charcot-Marie-Tooth disease type 4. Also called: Charcot-Marie-Tooth, Type 4; Charcot-Marie-Tooth disease, type IV. Identifiers: Orphanet 64749, MedGen C4082197, MONDO:0018995.

Submission:

Labcorp Genetics (formerly Invitae), Labcorp
Classification: Pathogenic for Charcot-Marie-Tooth disease type 4. Last evaluated: 2023-01-13. Review status: criteria provided, single submitter. Criteria: Invitae Variant Classification Sherloc (09022015). Collection method: clinical testing. Allele origin: germline.
Comment: For these reasons, this variant has been classified as Pathogenic. This variant disrupts a region of the FIG4 protein in which other variant(s) (p.Ile41Thr) have been determined to be pathogenic (PMID: 17572665, 18556664, 21705420, 23489662, 24878229; Invitae). This suggests that this is a clinically significant region of the protein, and that variants that disrupt it are likely to be disease-causing. This variant has not been reported in the literature in individuals affected with FIG4-related conditions. The frequency data for this variant in the population databases is considered unreliable, as metrics indicate poor data quality at this position in the gnomAD database. This sequence change affects the initiator methionine of the FIG4 mRNA. The next in-frame methionine is located at codon 78.

Literature cited by the submitters: PubMed 17572665; PubMed 18556664; PubMed 21705420; PubMed 23489662; PubMed 24878229.